The following is an entry in ClinVar:

ClinVar aggregate classification (germline): Pathogenic/Likely pathogenic. Review status: criteria provided, multiple submitters, no conflicts (2 of 4 stars). 3 submissions from 3 submitters: Pathogenic (1); Likely pathogenic (2). Last evaluated 2024-11-30.

Conditions:
Renal tubular acidosis with progressive nerve deafness. Also called: Distal Renal Tubular Acidosis with Progressive Sensorineural Deafness; RENAL TUBULAR ACIDOSIS, AUTOSOMAL RECESSIVE, WITH PROGRESSIVE NERVE DEAFNESS; RTA WITH PROGRESSIVE NERVE DEAFNESS; renal tubular acidosis, distal, 2, with progressive sensorineural hearing loss. Identifiers: MedGen C0403554, MONDO:0009968, OMIM 267300.

Submissions (3):

Natera, Inc.
Classification: Likely pathogenic for Renal tubular acidosis with progressive nerve deafness. Last evaluated: 2024-11-30. Review status: criteria provided, single submitter. Criteria: Natera Variant Classification Schema (03/2026). Collection method: clinical testing. Allele origin: germline.
Comment: The c.1143+2T>C variant in ATP6V1B1 is a canonical splice donor site variant predicted to affect pre-mRNA splicing, which may result in an abnormal transcript and altered protein product. This variant is expected to result in nonsense mediated decay, truncation, or a dysfunctional protein product. This variant is rare in the general population with a frequency below the threshold expected for the associated phenotype(s). Given the available evidence, this variant is classified as Likely Pathogenic.

MVZ Medizinische Genetik Mainz
Classification: Pathogenic for Renal tubular acidosis with progressive nerve deafness. Last evaluated: 2024-07-16. Review status: criteria provided, single submitter. Criteria: UK Practice Guidelines For Variant Classification V4 01 2020. Collection method: clinical testing. Allele origin: germline. Inheritance: Autosomal recessive inheritance. Affected: yes. Observed: 2 variant alleles.
Comment: ACMG Criteria: PVS1,PM2_SUP,PM3_SUP,PP4

Labcorp Genetics (formerly Invitae), Labcorp
Classification: Likely pathogenic. Last evaluated: 2022-06-11. Review status: criteria provided, single submitter. Criteria: Invitae Variant Classification Sherloc (09022015). Collection method: clinical testing. Allele origin: germline.
Comment: In summary, the currently available evidence indicates that the variant is pathogenic, but additional data are needed to prove that conclusively. Therefore, this variant has been classified as Likely Pathogenic. Algorithms developed to predict the effect of sequence changes on RNA splicing suggest that this variant may disrupt the consensus splice site. This variant has not been reported in the literature in individuals affected with ATP6V1B1-related conditions. This variant is present in population databases (no rsID available, gnomAD 0.0009%). This sequence change affects a donor splice site in intron 11 of the ATP6V1B1 gene. It is expected to disrupt RNA splicing. Variants that disrupt the donor or acceptor splice site typically lead to a loss of protein function (PMID: 16199547), and loss-of-function variants in ATP6V1B1 are known to be pathogenic (PMID: 9916796, 18368028).

Literature cited by the submitters: PubMed 16199547 (cited by Labcorp Genetics (formerly Invitae), Labcorp); PubMed 9916796 (cited by Labcorp Genetics (formerly Invitae), Labcorp); PubMed 18368028 (cited by Labcorp Genetics (formerly Invitae), Labcorp).

NM_001692.4(ATP6V1B1):c.1143+2T>C

Gene: ATP6V1B1 (ATPase H+ transporting V1 subunit B1; plus strand). Cytogenetic location: 2p13.3.
Variant type: single nucleotide variant.
Coding change: c.1143+2T>C on transcript NM_001692.4 (MANE Select); the canonical splice donor site of the intron after coding-DNA position 1143, T replaced by C.
Molecular consequence: splice donor variant.
Genome position (GRCh38, 1-based): chr2:70,963,656, T>C. VCF-style: chr2-70963656-T-C. GRCh37 (hg19) VCF-style: chr2-71190786-T-C.
Other names: c.1143+2T>C (NM_001692.3).
Identifiers: ClinVar variation 1977903 (VCV001977903.7), dbSNP rs781961617, ClinGen allele CA347187434.